The following is an entry in ClinVar:

ClinVar aggregate classification (germline): Pathogenic/Likely pathogenic. Review status: criteria provided, multiple submitters, no conflicts (2 of 4 stars). 3 submissions from 3 submitters: Pathogenic (2); Likely pathogenic (1). Last evaluated 2026-03-19.

Conditions:
Rare genetic deafness. Identifiers: Orphanet 96210, MedGen C5680250.

Allele frequency attached by ClinVar (database versions not stated): ExAC 0.00001; gnomAD exomes below 0.00001; gnomAD 0.00001; TOPMed 0.00001.
gnomAD v4.1: 6 of 1,604,940 alleles (0.00037%); highest among the groups gnomAD compares: Admixed American, 0.0017%; no homozygotes.

Submissions (3):

Dasa
Classification: Pathogenic. Last evaluated: 2026-03-19. Review status: criteria provided, single submitter. Criteria: DASA Assertion Criteria. Collection method: clinical testing. Allele origin: germline.
Comment: NM_005422.4(TECTA):c.2719C>T (p.Arg907*) introduces a premature termination codon predicted to result in loss of normal protein function. Loss-of-function is an established mechanism of disease for this gene. This variant has been reported in individuals with related phenotype (PMID: 36147510). The variant is present at low frequency in population datasets. Based on the available data, this variant is classified as pathogenic.

Labcorp Genetics (formerly Invitae), Labcorp
Classification: Pathogenic. Last evaluated: 2023-12-27. Review status: criteria provided, single submitter. Criteria: Invitae Variant Classification Sherloc (09022015). Collection method: clinical testing. Allele origin: germline.
Comment: This sequence change creates a premature translational stop signal (p.Arg907*) in the TECTA gene. It is expected to result in an absent or disrupted protein product. Loss-of-function variants in TECTA are known to be pathogenic (PMID: 11087000, 12746400, 17431902, 24130743). This variant is present in population databases (rs764424917, gnomAD 0.003%). This premature translational stop signal has been observed in individual(s) with deafness (PMID: 27610647, 36147510). ClinVar contains an entry for this variant (Variation ID: 517590). For these reasons, this variant has been classified as Pathogenic.

Laboratory for Molecular Medicine, Mass General Brigham Personalized Medicine
Classification: Likely pathogenic for Rare genetic deafness. Last evaluated: 2017-08-29. Review status: criteria provided, single submitter. Criteria: LMM Criteria. Collection method: clinical testing. Allele origin: germline. Inheritance: Autosomal recessive inheritance. Observed: 1 variant allele.
Comment: The p.Arg907X (NM_005422.5 c.2719C>T) variant in TECTA has not been previously r eported in the literature, but has been identified in 1/33104 Latino chromosomes by the Genome Aggregation Database (rs7644249 17). This nonsense variant leads to a premature termination codon at position 90 7, which is predicted to lead to a truncated or absent protein. Loss of function of the TECTA gene is an established disease mechanism for autosomal recessive h earing loss. In summary, although additional studies are required to fully estab lish its clinical significance, this variant is likely pathogenic for hearing lo ss in an autosomal recessive manner based on its predicted impact on the protein . Please note that while loss of function variants in TECTA are associated with autosomal recessive and missense variants are associated with autosomal dominant inheritance in general, some truncating variants have been reported to segregat e in an autosomal dominant manner (Hildebrand 2011). There is currently insuffic ient data to predict whether the p.Arg907X variant can lead to dominantly inheri ted hearing loss.

Literature cited by the submitters: PubMed 36147510 (cited by Dasa and Labcorp Genetics (formerly Invitae), Labcorp); PubMed 11087000 (cited by Labcorp Genetics (formerly Invitae), Labcorp); PubMed 12746400 (cited by Labcorp Genetics (formerly Invitae), Labcorp); PubMed 17431902 (cited by Labcorp Genetics (formerly Invitae), Labcorp); PubMed 24130743 (cited by Labcorp Genetics (formerly Invitae), Labcorp); PubMed 27610647 (cited by Labcorp Genetics (formerly Invitae), Labcorp); PubMed 21520338 (cited by Laboratory for Molecular Medicine, Mass General Brigham Personalized Medicine); PubMed 18575463 (cited by Laboratory for Molecular Medicine, Mass General Brigham Personalized Medicine).

NM_005422.4(TECTA):c.2719C>T (p.Arg907Ter)

Genes: TBCEL-TECTA (TBCEL-TECTA readthrough; plus strand), TECTA (tectorin alpha; plus strand), LOC126861365 (P300/CBP strongly-dependent group 1 enhancer GRCh37_chr11:121000154-121001353; plus strand). Cytogenetic location: 11q23.3.
Variant type: single nucleotide variant.
Coding change: c.2719C>T on transcript NM_005422.4 (MANE Select); coding-DNA position 2719, C replaced by T.
Protein change: p.Arg907Ter; replaces arginine 907 with a stop codon.
Molecular consequence: nonsense.
Genome position (GRCh38, 1-based): chr11:121,129,989, C>T. VCF-style: chr11-121129989-C-T. GRCh37 (hg19) VCF-style: chr11-121000698-C-T.
Other names: c.3676C>T, p.Arg1226Ter (NM_001378761.1); short protein forms R907*, R1226*.
Identifiers: ClinVar variation 517590 (VCV000517590.9), dbSNP rs764424917, ClinGen allele CA6327048.